The following is an entry in ClinVar:

NM_000183.3(HADHB):c.110-1G>A

Gene: HADHB (hydroxyacyl-CoA dehydrogenase trifunctional multienzyme complex subunit beta; plus strand). Cytogenetic location: 2p23.3.
Variant type: single nucleotide variant.
Coding change: c.110-1G>A on transcript NM_000183.3 (MANE Select); the canonical splice acceptor site of the intron before coding-DNA position 110, G replaced by A.
Molecular consequence: splice acceptor variant.
Genome position (GRCh38, 1-based): chr2:26,263,379, G>A. VCF-style: chr2-26263379-G-A. GRCh37 (hg19) VCF-style: chr2-26486247-G-A.
Other names: c.44-1G>A (NM_001281513.2); c.110-1G>A (NM_001281512.2).
Identifiers: ClinVar variation 2764969 (VCV002764969.3), dbSNP rs2465675085, ClinGen allele CA346104286.

ClinVar aggregate classification (germline): Likely pathogenic (1 of 4 stars; one submission).

Conditions:
Mitochondrial trifunctional protein deficiency. Identifiers: Orphanet 746, MedGen C1969443, MONDO:0012172.

Submission:

Labcorp Genetics (formerly Invitae), Labcorp
Classification: Likely pathogenic for Mitochondrial trifunctional protein deficiency. Last evaluated: 2023-10-11. Review status: criteria provided, single submitter. Criteria: Invitae Variant Classification Sherloc (09022015). Collection method: clinical testing. Allele origin: germline.
Comment: This sequence change affects an acceptor splice site in intron 3 of the HADHB gene. It is expected to disrupt RNA splicing. Variants that disrupt the donor or acceptor splice site typically lead to a loss of protein function (PMID: 16199547), and loss-of-function variants in HADHB are known to be pathogenic (PMID: 9259266, 12754706). This variant is not present in population databases (gnomAD no frequency). This variant has not been reported in the literature in individuals affected with HADHB-related conditions. Algorithms developed to predict the effect of sequence changes on RNA splicing suggest that this variant may disrupt the consensus splice site. In summary, the currently available evidence indicates that the variant is pathogenic, but additional data are needed to prove that conclusively. Therefore, this variant has been classified as Likely Pathogenic.

Literature cited by the submitters: PubMed 16199547; PubMed 9259266; PubMed 12754706.